The following is an entry in ClinVar:

NM_004370.6(COL12A1):c.3536A>G (p.Asp1179Gly)

Gene: COL12A1 (collagen type XII alpha 1 chain; minus strand). Cytogenetic location: 6q13.
Variant type: single nucleotide variant.
Coding change: c.3536A>G on transcript NM_004370.6 (MANE Select); coding-DNA position 3536, A replaced by G.
Protein change: p.Asp1179Gly; replaces aspartic acid 1179 with glycine.
Molecular consequence: missense variant. On other transcripts: intron variant (2).
Genome position (GRCh38, 1-based): chr6:75,154,445, T>C on the plus strand (A>G on the coding strand, the complement: COL12A1 is on the minus strand). VCF-style: chr6-75154445-T-C. GRCh37 (hg19) VCF-style: chr6-75864161-T-C.
Other names: c.3536A>G, p.Asp1179Gly (NM_001424113.1, NM_001424114.1); c.3263A>G, p.Asp1088Gly (NM_001424115.1); c.74-1963A>G (NM_001424116.1, NM_080645.3); short protein forms D1088G, D1179G.
Identifiers: ClinVar variation 3763196 (VCV003763196.2).

ClinVar aggregate classification (germline): Uncertain significance (1 of 4 stars; one submission).

Conditions:
Ullrich congenital muscular dystrophy 2 (UCMD2). Identifiers: Orphanet 75840, MedGen C4225314, MONDO:0014654, OMIM 616470.
Bethlem myopathy 2 (BTHLM2). Identifiers: Orphanet 536516, Orphanet 610, MedGen C4225313, MONDO:0034022, OMIM 616471.

gnomAD v4.1: 3 of 1,612,696 alleles (0.00019%); highest among the groups gnomAD compares: Admixed American, 0.0017%; no homozygotes.

Submission:

Labcorp Genetics (formerly Invitae), Labcorp
Classification: Uncertain significance for Bethlem myopathy 2; Ullrich congenital muscular dystrophy 2. Last evaluated: 2024-04-22. Review status: criteria provided, single submitter. Criteria: Invitae Variant Classification Sherloc (09022015). Collection method: clinical testing. Allele origin: germline.
Comment: This sequence change replaces aspartic acid, which is acidic and polar, with glycine, which is neutral and non-polar, at codon 1179 of the COL12A1 protein (p.Asp1179Gly). This variant is not present in population databases (gnomAD no frequency). This variant has not been reported in the literature in individuals affected with COL12A1-related conditions. Advanced modeling of protein sequence and biophysical properties (such as structural, functional, and spatial information, amino acid conservation, physicochemical variation, residue mobility, and thermodynamic stability) has been performed at Invitae for this missense variant, however the output from this modeling did not meet the statistical confidence thresholds required to predict the impact of this variant on COL12A1 protein function. In summary, the available evidence is currently insufficient to determine the role of this variant in disease. Therefore, it has been classified as a Variant of Uncertain Significance.